The following is an entry in ClinVar:

ClinVar aggregate classification (germline): Pathogenic (1 of 4 stars; one submission).

Submission:

Labcorp Genetics (formerly Invitae), Labcorp
Classification: Pathogenic. Last evaluated: 2025-07-14. Review status: criteria provided, single submitter. Criteria: Invitae Variant Classification Sherloc (09022015). Collection method: clinical testing. Allele origin: germline.
Comment: This sequence change creates a premature translational stop signal (p.Lys2150Argfs*144) in the FLNB gene. It is expected to result in an absent or disrupted protein product. Loss-of-function variants in FLNB are known to be pathogenic (PMID: 14991055). This variant is not present in population databases (gnomAD no frequency). This variant has not been reported in the literature in individuals affected with FLNB-related conditions. For these reasons, this variant has been classified as Pathogenic.

Literature cited by the submitters: PubMed 14991055.

NM_001457.4(FLNB):c.6449del (p.Lys2150fs)

Gene: FLNB (filamin B; plus strand). Cytogenetic location: 3p14.3.
Variant type: Deletion.
Coding change: c.6449del on transcript NM_001457.4 (MANE Select); coding-DNA position 6449, one base deleted (A; older notation c.6449delA).
Protein change: p.Lys2150fs; shifts the reading frame from lysine 2150.
Molecular consequence: frameshift variant.
Genome position (GRCh38, 1-based): chr3:58,153,456, A deleted; the last of 2 consecutive A bases (chr3:58,153,455-58,153,456); deleting either gives the same sequence. VCF-style (leftmost placement, unchanged base first): chr3-58153454-GA-G. GRCh37 (hg19) VCF-style: chr3-58139181-GA-G.
Other names: c.6377del, p.Lys2126fs (NM_001164319.2); c.6542del, p.Lys2181fs (NM_001164317.2); c.6416del, p.Lys2139fs (NM_001164318.2); short protein forms K2139fs, K2150fs, K2181fs, K2126fs.
Identifiers: ClinVar variation 4723218 (VCV004723218.1).